The following is an entry in ClinVar:

NM_001972.4(ELANE):c.300dup (p.Val101fs)

Gene: ELANE (elastase, neutrophil expressed; plus strand). Cytogenetic location: 19p13.3.
Variant type: Duplication.
Coding change: c.300dup on transcript NM_001972.4 (MANE Select); coding-DNA position 300, one base duplicated (C; older notation c.300dupC).
Protein change: p.Val101fs; shifts the reading frame from valine 101.
Molecular consequence: frameshift variant.
Genome position (GRCh38, 1-based): chr19:853,337, C duplicated; the last of 2 consecutive C bases (chr19:853,336-853,337); duplicating either gives the same sequence. VCF-style (leftmost placement, unchanged base first): chr19-853335-G-GC. GRCh37 (hg19) VCF-style: chr19-853335-G-GC.
Other names: short protein forms V101fs.
Identifiers: ClinVar variation 1684713 (VCV001684713.6), dbSNP rs2145145158, ClinGen allele CA2573155741.
Genomic context (GRCh38, chr19:853,335, plus strand): 5'-GTGCGGGTGGTCCTGGGAGCCCATAACCTCTCGCGGCGGGAGCCCACCCGGCAGGTGTTC[G>GC]CCGTGCAGCGCATCTTCGAAAACGGCTACGACCCCGTAAACTTGCTCAACGACATCGTGA-3'

ClinVar aggregate classification (germline): Uncertain significance. Review status: criteria provided, multiple submitters, no conflicts (2 of 4 stars). 2 submissions from 2 submitters: Uncertain significance (2). Last evaluated 2022-09-15.

Conditions:
Cyclical neutropenia. Also called: Cyclic hematopoiesis; Cyclic Neutropenia. Identifiers: Orphanet 2686, MedGen C0221023, MONDO:0008090, OMIM 162800, HP:0040289. Disease mechanism: loss of function.
Neutropenia, severe congenital, 1, autosomal dominant. Identifiers: MedGen C1859966, MONDO:0042490, OMIM 202700.

Submissions (2):

Labcorp Genetics (formerly Invitae), Labcorp
Classification: Uncertain significance for Neutropenia, severe congenital, 1, autosomal dominant; Cyclical neutropenia. Last evaluated: 2022-09-15. Review status: criteria provided, single submitter. Criteria: Invitae Variant Classification Sherloc (09022015). Collection method: clinical testing. Allele origin: germline.
Comment: This sequence change results in a frameshift in the ELANE gene (p.Val101Argfs*189). While this is not anticipated to result in nonsense mediated decay, it is expected to disrupt the last 167 amino acid(s) of the ELANE protein and extend the protein by 21 additional amino acid residues. In summary, the available evidence is currently insufficient to determine the role of this variant in disease. Therefore, it has been classified as a Variant of Uncertain Significance. Experimental studies and prediction algorithms are not available or were not evaluated, and the functional significance of this variant is currently unknown. ClinVar contains an entry for this variant (Variation ID: 1684713). This variant has not been reported in the literature in individuals affected with ELANE-related conditions. This variant is not present in population databases (gnomAD no frequency).

Mendelics
Classification: Uncertain significance. Last evaluated: 2022-05-04. Review status: criteria provided, single submitter. Criteria: Mendelics Assertion Criteria 2019. Collection method: clinical testing. Allele origin: germline.